The following is an entry in ClinVar:

ClinVar aggregate classification (germline): Uncertain significance (1 of 4 stars; one submission).

gnomAD v4.1: 3 of 1,613,904 alleles (0.00019%); highest among the groups gnomAD compares: African/African-American, 0.0013%; no homozygotes.

Submission:

Labcorp Genetics (formerly Invitae), Labcorp
Classification: Uncertain significance. Last evaluated: 2024-02-24. Review status: criteria provided, single submitter. Criteria: Invitae Variant Classification Sherloc (09022015). Collection method: clinical testing. Allele origin: germline.
Comment: This sequence change replaces leucine, which is neutral and non-polar, with proline, which is neutral and non-polar, at codon 1658 of the RAI1 protein (p.Leu1658Pro). This variant is not present in population databases (gnomAD no frequency). This variant has not been reported in the literature in individuals affected with RAI1-related conditions. Algorithms developed to predict the effect of missense changes on protein structure and function output the following: SIFT: "Not Available"; PolyPhen-2: "Benign"; Align-GVGD: "Not Available". The proline amino acid residue is found in multiple mammalian species, which suggests that this missense change does not adversely affect protein function. In summary, the available evidence is currently insufficient to determine the role of this variant in disease. Therefore, it has been classified as a Variant of Uncertain Significance.

NM_030665.4(RAI1):c.4973T>C (p.Leu1658Pro)

Gene: RAI1 (retinoic acid induced 1; plus strand). Cytogenetic location: 17p11.2.
Variant type: single nucleotide variant.
Coding change: c.4973T>C on transcript NM_030665.4 (MANE Select); coding-DNA position 4973, T replaced by C.
Protein change: p.Leu1658Pro; replaces leucine 1658 with proline.
Molecular consequence: missense variant.
Genome position (GRCh38, 1-based): chr17:17,797,921, T>C. VCF-style: chr17-17797921-T-C. GRCh37 (hg19) VCF-style: chr17-17701235-T-C.
Other names: short protein forms L1658P.
Identifiers: ClinVar variation 3692993 (VCV003692993.2).
Genomic context (GRCh38, chr17:17,797,921, plus strand): 5'-CCTCGTTCTCCTTGGATGCAGCCGGGGCCTCCCTGGCCACACTCCCTGGAGGCTCCATCC[T>C]GCAGCCGCGGCCCTCCTTGCCCCTCTCCTCCACGATGCACTTGGGGCCTGTGGTTTCCAA-3'
Protein context (NP_109590.3, residues 1648-1668): SLATLPGGSI[Leu1658Pro]QPRPSLPLSS